The following is an entry in ClinVar:

NM_000553.6(WRN):c.2543A>G (p.Tyr848Cys)

Gene: WRN (WRN RecQ like helicase; plus strand). Cytogenetic location: 8p12.
Variant type: single nucleotide variant.
Coding change: c.2543A>G on transcript NM_000553.6 (MANE Select); coding-DNA position 2543, A replaced by G.
Protein change: p.Tyr848Cys; replaces tyrosine 848 with cysteine.
Molecular consequence: missense variant.
Genome position (GRCh38, 1-based): chr8:31,120,337, A>G. VCF-style: chr8-31120337-A-G. GRCh37 (hg19) VCF-style: chr8-30977853-A-G.
Other names: short protein forms Y848C.
Identifiers: ClinVar variation 404040 (VCV000404040.6), dbSNP rs748334111, ClinGen allele CA4704775.

ClinVar aggregate classification (germline): Uncertain significance (1 of 4 stars; one submission).

Conditions:
Werner syndrome (WRN). Identifiers: Orphanet 902, MedGen C0043119, MONDO:0010196, OMIM 277700.

Allele frequency attached by ClinVar (database versions not stated): ExAC 0.00001; gnomAD 0.00001; gnomAD exomes 0.00001.
gnomAD v4.1: 8 of 1,612,946 alleles (0.0005%); highest among the groups gnomAD compares: Non-Finnish European, 0.00068%; no homozygotes.

Submission:

Labcorp Genetics (formerly Invitae), Labcorp
Classification: Uncertain significance for Werner syndrome. Last evaluated: 2026-01-06. Review status: criteria provided, single submitter. Criteria: Invitae Variant Classification Sherloc (09022015). Collection method: clinical testing. Allele origin: germline.
Comment: This sequence change replaces tyrosine, which is neutral and polar, with cysteine, which is neutral and slightly polar, at codon 848 of the WRN protein (p.Tyr848Cys). This variant is present in population databases (rs748334111, gnomAD 0.003%). This variant has not been reported in the literature in individuals affected with WRN-related conditions. ClinVar contains an entry for this variant (Variation ID: 404040). An algorithm developed to predict the effect of missense changes on protein structure and function (PolyPhen-2) suggests that this variant is likely to be disruptive. In summary, the available evidence is currently insufficient to determine the role of this variant in disease. Therefore, it has been classified as a Variant of Uncertain Significance.